The following is an entry in ClinVar:

ClinVar aggregate classification (germline): Uncertain significance (1 of 4 stars; one submission).

Allele frequency attached by ClinVar (database versions not stated): ExAC 0.00001; gnomAD exomes 0.00001; ESP Exome Variant Server 0.00008.

Submission:

GeneDx
Classification: Uncertain significance. Last evaluated: 2022-12-08. Review status: criteria provided, single submitter. Criteria: GeneDx Variant Classification Process June 2021. Collection method: clinical testing. Allele origin: germline. Affected: yes.
Comment: Not observed at significant frequency in large population cohorts (gnomAD); In silico analysis supports that this missense variant has a deleterious effect on protein structure/function; Has not been previously published as pathogenic or benign to our knowledge

NM_152722.5(HEPACAM):c.149C>T (p.Ser50Leu)

Gene: HEPACAM (hepatic and glial cell adhesion molecule; minus strand). Cytogenetic location: 11q24.2.
Variant type: single nucleotide variant.
Coding change: c.149C>T on transcript NM_152722.5 (MANE Select); coding-DNA position 149, C replaced by T.
Protein change: p.Ser50Leu; replaces serine 50 with leucine.
Molecular consequence: missense variant.
Genome position (GRCh38, 1-based): chr11:124,925,006, G>A on the plus strand (C>T on the coding strand, the complement: HEPACAM is on the minus strand). VCF-style: chr11-124925006-G-A. GRCh37 (hg19) VCF-style: chr11-124794902-G-A.
Other names: c.149C>T, p.Ser50Leu (NM_001411043.1); short protein forms S50L.
Identifiers: ClinVar variation 2504771 (VCV002504771.1), dbSNP rs140829989, ClinGen allele CA6345803.